The following is an entry in ClinVar:

ClinVar aggregate classification (germline): Pathogenic (1 of 4 stars; one submission).

Conditions:
Developmental and epileptic encephalopathy, 37 (DEE37). Also called: Epileptic encephalopathy, early infantile, 37. Identifiers: MedGen C4310770, MONDO:0014859, OMIM 616981.

Submission:

Labcorp Genetics (formerly Invitae), Labcorp
Classification: Pathogenic for Developmental and epileptic encephalopathy, 37. Last evaluated: 2020-09-09. Review status: criteria provided, single submitter. Criteria: Invitae Variant Classification Sherloc (09022015). Collection method: clinical testing. Allele origin: germline.
Comment: Algorithms developed to predict the effect of sequence changes on RNA splicing suggest that this variant may create or strengthen a splice site, but this prediction has not been confirmed by published transcriptional studies. This variant has not been reported in the literature in individuals with FRRS1L-related conditions. The frequency data for this variant in the population databases is considered unreliable, as metrics indicate insufficient coverage at this position in the ExAC database. This sequence change creates a premature translational stop signal (p.Gly92*) in the FRRS1L gene. It is expected to result in an absent or disrupted protein product. Loss-of-function variants in FRRS1L are known to be pathogenic (PMID: 27236917). For these reasons, this variant has been classified as Pathogenic.

Literature cited by the submitters: PubMed 27236917.

NM_014334.4(FRRS1L):c.121G>T (p.Gly41Ter)

Gene: FRRS1L (ferric chelate reductase 1 like; minus strand). Cytogenetic location: 9q31.3.
Variant type: single nucleotide variant.
Coding change: c.121G>T on transcript NM_014334.4 (MANE Select); coding-DNA position 121, G replaced by T.
Protein change: p.Gly41Ter; replaces glycine 41 with a stop codon.
Molecular consequence: nonsense.
Genome position (GRCh38, 1-based): chr9:109,167,018, C>A on the plus strand (G>T on the coding strand, the complement: FRRS1L is on the minus strand). VCF-style: chr9-109167018-C-A. GRCh37 (hg19) VCF-style: chr9-111929298-C-A.
Other names: short protein forms G41*.
Identifiers: ClinVar variation 1070692 (VCV001070692.7), dbSNP rs776257401, ClinGen allele CA374430458.
Genomic context (GRCh38, chr9:109,167,018, plus strand): 5'-AGTCGTGGCGCGGCACCGCCTCGTCGGCGCCCGTGTCCCCCCGCGCGCGTCCCCGGGGTC[C>A]CCGGCCCCCCGGGCCCGCACCGTCGTCCGCGGGGCTGGCTGCGCAGGCGGCGGGCCCCGT-3'